The following is an entry in ClinVar:

ClinVar aggregate classification (germline): Benign. Review status: criteria provided, multiple submitters, no conflicts (2 of 4 stars). 13 submissions from 10 submitters: Benign (12). 1 of the submissions does not count toward it. Last evaluated 2026-02-04.

Conditions:
Abortive cerebellar ataxia (BEHRS). Also called: OPTIC ATROPHY, INFANTILE HEREDITARY, WITH NEUROLOGIC ABNORMALITIES; Behr syndrome. Identifiers: Orphanet 1239, MedGen C0221061, MONDO:0008858, OMIM 210000.
Mitochondrial DNA depletion syndrome 14B (cardioencephalomyopathic type). Also called: Mitochondrial DNA depletion syndrome 14 (encephalocardiomyopathic type); Mitochondrial DNA depletion syndrome 14 (cardioencephalomyopathic type). Identifiers: MedGen C6065890, MONDO:0014820, OMIM 616896.
Optic atrophy with or without deafness, ophthalmoplegia, myopathy, ataxia, and neuropathy. Also called: OPTIC ATROPHY PLUS SYNDROME. Identifiers: MedGen C3276549, MONDO:0007429, OMIM 125250.
Autosomal dominant optic atrophy classic form (OPA1). Also called: KJER-TYPE OPTIC ATROPHY; OPTIC ATROPHY, JUVENILE; Optic Atrophy Type 1. Identifiers: Orphanet 98673, MedGen C0338508, MONDO:0008134, OMIM 165500.

Allele frequency attached by ClinVar (database versions not stated): 1000 Genomes Project 0.46645; gnomAD exomes 0.46678 and 0.46822; ExAC 0.46682; 1000 Genomes Project 30x 0.46861; TOPMed 0.49015; gnomAD 0.49496 and 0.50117; ESP Exome Variant Server 0.49716.
gnomAD v4.1: 759,374 of 1,612,978 alleles (47%); highest among the groups gnomAD compares: African/African-American, 57%; 180,530 homozygotes.

Submissions (13):

Labcorp Genetics (formerly Invitae), Labcorp
Classification: Benign. Last evaluated: 2026-02-04. Review status: criteria provided, single submitter. Criteria: Invitae Variant Classification Sherloc (09022015). Collection method: clinical testing. Allele origin: germline.

Blueprint Genetics
Classification: Benign. Last evaluated: 2024-11-27. Review status: criteria provided, single submitter. Criteria: ACMG Guidelines, 2015. Collection method: clinical testing. Allele origin: germline.

Genome-Nilou Lab
Classification: Benign for Mitochondrial DNA depletion syndrome 14B (cardioencephalomyopathic type). Last evaluated: 2021-09-05. Review status: criteria provided, single submitter. Criteria: ACMG Guidelines, 2015. Collection method: clinical testing. Allele origin: germline. Affected: no.

Genome-Nilou Lab
Classification: Benign for Abortive cerebellar ataxia. Last evaluated: 2021-09-05. Review status: criteria provided, single submitter. Criteria: ACMG Guidelines, 2015. Collection method: clinical testing. Allele origin: germline. Affected: no.

Genome-Nilou Lab
Classification: Benign for Autosomal dominant optic atrophy classic form. Last evaluated: 2021-09-05. Review status: criteria provided, single submitter. Criteria: ACMG Guidelines, 2015. Collection method: clinical testing. Allele origin: germline. Affected: no.

Genome-Nilou Lab
Classification: Benign for Optic atrophy with or without deafness, ophthalmoplegia, myopathy, ataxia, and neuropathy. Last evaluated: 2021-09-05. Review status: criteria provided, single submitter. Criteria: ACMG Guidelines, 2015. Collection method: clinical testing. Allele origin: germline. Affected: no.

Illumina Laboratory Services, Illumina
Classification: Benign for Autosomal dominant optic atrophy classic form. Last evaluated: 2018-01-13. Review status: criteria provided, single submitter. Criteria: ICSL Variant Classification Criteria 13 December 2019. Collection method: clinical testing. Allele origin: germline.
Comment: This variant was observed in the ICSL laboratory as part of a predisposition screen in an ostensibly healthy population. It had not been previously curated by ICSL or reported in the Human Gene Mutation Database (HGMD: prior to June 1st, 2018), and was therefore a candidate for classification through an automated scoring system. Utilizing variant allele frequency, disease prevalence and penetrance estimates, and inheritance mode, an automated score was calculated to assess if this variant is too frequent to cause the disease. Based on the score and internal cut-off values, a variant classified as benign is not then subjected to further curation. The score for this variant resulted in a classification of benign for this disease.

Athena Diagnostics
Classification: Benign for Autosomal dominant optic atrophy classic form. Last evaluated: 2017-04-28. Review status: criteria provided, single submitter. Criteria: Athena Diagnostics Criteria. Collection method: clinical testing. Allele origin: germline.

Eurofins Ntd Llc (ga)
Classification: Benign. Last evaluated: 2015-12-23. Review status: criteria provided, single submitter. Criteria: EGL Classification Definitions 2015. Collection method: clinical testing. Allele origin: germline. Observed: 299 variant alleles, 199 heterozygotes, 101 homozygotes.

GeneDx
Classification: Benign. Last evaluated: 2011-06-30. Review status: criteria provided, single submitter. Criteria: GeneDx Variant Classification (06012015). Collection method: clinical testing. Allele origin: germline. Affected: yes.
Comment: This variant is considered likely benign or benign based on one or more of the following criteria: it is a conservative change, it occurs at a poorly conserved position in the protein, it is predicted to be benign by multiple in silico algorithms, and/or has population frequency not consistent with disease.

Breakthrough Genomics
Classification: Benign. Review status: criteria provided, single submitter. Criteria: ACMG Guidelines, 2015. Collection method: not provided. Allele origin: germline. Inheritance: Autosomal recessive inheritance. Affected: yes.

PreventionGenetics, part of Exact Sciences
Classification: Benign. Review status: criteria provided, single submitter. Criteria: ACMG Guidelines, 2015. Collection method: clinical testing. Allele origin: germline.

Mayo Clinic Laboratories, Mayo Clinic
Classification: Benign. Last evaluated: 2016-02-19. Review status: no assertion criteria provided. Collection method: clinical testing. Allele origin: unknown. Not counted in ClinVar's aggregate classification.

Literature cited by the submitters: PubMed 11440989 (cited by Athena Diagnostics).

NM_130837.3(OPA1):c.2274T>C (p.Ala758=)

Gene: OPA1 (OPA1 mitochondrial dynamin like GTPase; plus strand). Cytogenetic location: 3q29.
Variant type: single nucleotide variant.
Coding change: c.2274T>C on transcript NM_130837.3 (MANE Select); coding-DNA position 2274, T replaced by C.
Protein change: p.Ala758=; no amino-acid change (alanine 758 retained).
Molecular consequence: synonymous variant.
Genome position (GRCh38, 1-based): chr3:193,657,175, T>C. VCF-style: chr3-193657175-T-C. GRCh37 (hg19) VCF-style: chr3-193374964-T-C.
Other names: p.A703A:GCT>GCC; c.1740T>C, p.Ala580= (NM_001354663.2); c.1737T>C, p.Ala579= (NM_001354664.2); c.2109T>C, p.Ala703= (NM_015560.3); c.2001T>C, p.Ala667= (NM_130831.3); c.2055T>C, p.Ala685= (NM_130832.3); c.2112T>C, p.Ala704= (NM_130833.3); c.2163T>C, p.Ala721= (NM_130834.3); and 2 more.
Identifiers: ClinVar variation 95717 (VCV000095717.21), dbSNP rs9851685, ClinGen allele CA285712.